The following is an entry in ClinVar:

ClinVar aggregate classification (germline): Likely pathogenic (1 of 4 stars; one submission).

Conditions:
X-linked Alport syndrome (ATS1). Also called: NEPHROPATHY AND DEAFNESS, X-LINKED; COL4A5-Related Nephropathy. Identifiers: Orphanet 63, Orphanet 88917, MedGen C4746986, MONDO:0010520, OMIM 301050.

Submission:

Myriad Genetics, Inc.
Classification: Likely pathogenic for X-linked Alport syndrome. Last evaluated: 2022-04-29. Review status: criteria provided, single submitter. Criteria: Myriad Women's Health Autosomal Recessive and X-Linked Classification Criteria (2021). Collection method: clinical testing. Allele origin: unknown.
Comment: NM_000495.4(COL4A5):c.2322delA(G775Vfs*17) is expected to be pathogenic in the context of X-linked Alport syndrome. This variant is predicted to lead to an abnormal or absent protein product due to the creation of a premature termination codon in COL4A5, a gene where loss-of-function variants are known to be pathogenic. Please note: this variant was assessed in the context of healthy population screening.

NM_033380.3(COL4A5):c.2322del (p.Gly775fs)

Gene: COL4A5 (collagen type IV alpha 5 chain; plus strand). Cytogenetic location: Xq22.3.
Variant type: Deletion.
Coding change: c.2322del on transcript NM_033380.3 (MANE Select); coding-DNA position 2322, one base deleted (A; older notation c.2322delA).
Protein change: p.Gly775fs; shifts the reading frame from glycine 775.
Molecular consequence: frameshift variant.
Genome position (GRCh38, 1-based): chrX:108,606,819, A deleted; the last of 4 consecutive A bases (chrX:108,606,816-108,606,819); deleting any one gives the same sequence. VCF-style (leftmost placement, unchanged base first): chrX-108606815-CA-C. GRCh37 (hg19) VCF-style: chrX-107850045-CA-C.
Other names: c.2322del, p.Gly775fs (NM_000495.5); short protein forms G775fs.
Identifiers: ClinVar variation 1725977 (VCV001725977.2), dbSNP rs104886351, ClinGen allele CA2580100332.